The following is an entry in ClinVar:

ClinVar aggregate classification (germline): Uncertain significance (1 of 4 stars; one submission).

Conditions:
Familial thoracic aortic aneurysm and aortic dissection (TAAD). Also called: Thoracic aortic aneurysms and dissections. Identifiers: Orphanet 91387, MedGen C4707243, MONDO:0019625.

Submission:

Ambry Genetics
Classification: Uncertain significance for Familial thoracic aortic aneurysm and aortic dissection. Last evaluated: 2025-12-11. Review status: criteria provided, single submitter. Criteria: Ambry Variant Classification Scheme 2023. Collection method: clinical testing. Allele origin: germline.
Comment: The p.T68I variant (also known as c.203C>T), located in coding exon 1 of the CBS gene, results from a C to T substitution at nucleotide position 203. The threonine at codon 68 is replaced by isoleucine, an amino acid with similar properties. This amino acid position is not well conserved in available vertebrate species. In addition, the in silico prediction for this alteration is inconclusive. Based on the available evidence, the clinical significance of this variant remains unclear.

NM_000071.3(CBS):c.203C>T (p.Thr68Ile)

Gene: CBS (cystathionine beta-synthase; minus strand). Cytogenetic location: 21q22.3.
Variant type: single nucleotide variant.
Coding change: c.203C>T on transcript NM_000071.3 (MANE Select); coding-DNA position 203, C replaced by T.
Protein change: p.Thr68Ile; replaces threonine 68 with isoleucine.
Molecular consequence: missense variant.
Genome position (GRCh38, 1-based): chr21:43,071,991, G>A on the plus strand (C>T on the coding strand, the complement: CBS is on the minus strand). VCF-style: chr21-43071991-G-A. GRCh37 (hg19) VCF-style: chr21-44492101-G-A.
Other names: c.203C>T, p.Thr68Ile (NM_001178008.3, NM_001178009.3, NM_001320298.2); short protein forms T68I.
Identifiers: ClinVar variation 4635333 (VCV004635333.1).